The following is an entry in ClinVar:

ClinVar aggregate classification (germline): Likely benign. Review status: criteria provided, single submitter (1 of 4 stars). 2 submissions from 2 submitters: Likely benign (1). 1 of the submissions does not count toward it. Last evaluated 2025-09-30.

Conditions:
Frontotemporal dementia and/or amyotrophic lateral sclerosis 6 (FTDALS6). Also called: VCP-Related Amyotrophic Lateral Sclerosis; VCP-Related Amyotrophic Lateral Sclerosis/Frontotemporal Dementia. Identifiers: Orphanet 275872, Orphanet 803, MedGen C5436279, MONDO:0013501, OMIM 613954.
Inclusion body myopathy with Paget disease of bone and frontotemporal dementia. Also called: Inclusion body myopathy with early-onset Paget disease and frontotemporal dementia. Identifiers: Orphanet 52430, MedGen C1833662, MONDO:0000507.
VCP-related disorder. Also called: VCP-related condition; VCP-related disorders.

Allele frequency attached by ClinVar (database versions not stated): gnomAD exomes 0.00001 and 0.00004; gnomAD 0.00015 and 0.00016; ESP Exome Variant Server 0.00015; TOPMed 0.00021; ExAC 0.00007.
gnomAD v4.1: 37 of 1,614,076 alleles (0.0023%); highest among the groups gnomAD compares: African/African-American, 0.036%; no homozygotes.

Submissions (2):

Labcorp Genetics (formerly Invitae), Labcorp
Classification: Likely benign for Inclusion body myopathy with Paget disease of bone and frontotemporal dementia; Frontotemporal dementia and/or amyotrophic lateral sclerosis 6. Last evaluated: 2025-09-30. Review status: criteria provided, single submitter. Criteria: Invitae Variant Classification Sherloc (09022015). Collection method: clinical testing. Allele origin: germline.

PreventionGenetics, part of Exact Sciences
Classification: Likely benign for VCP-related condition. Last evaluated: 2024-08-20. Review status: no assertion criteria provided. Collection method: clinical testing. Allele origin: germline. Not counted in ClinVar's aggregate classification.
Comment: This variant is classified as likely benign based on ACMG/AMP sequence variant interpretation guidelines (Richards et al. 2015 PMID: 25741868, with internal and published modifications).

NM_007126.5(VCP):c.210C>T (p.Ile70=)

Gene: VCP (valosin containing protein; minus strand). Cytogenetic location: 9p13.3.
Variant type: single nucleotide variant.
Coding change: c.210C>T on transcript NM_007126.5 (MANE Select); coding-DNA position 210, C replaced by T.
Protein change: p.Ile70=; no amino-acid change (isoleucine 70 retained).
Molecular consequence: synonymous variant.
Genome position (GRCh38, 1-based): chr9:35,067,983, G>A on the plus strand (C>T on the coding strand, the complement: VCP is on the minus strand). VCF-style: chr9-35067983-G-A. GRCh37 (hg19) VCF-style: chr9-35067980-G-A.
Other names: c.75C>T, p.Ile25= (NM_001354927.2, NM_001354928.2); c.210C>T (NM_007126.3).
Identifiers: ClinVar variation 1089398 (VCV001089398.10), dbSNP rs151222857, ClinGen allele CA5039532.